The following is an entry in ClinVar:

NM_001347721.2(DYRK1A):c.1653G>A (p.Gln551=)

Gene: DYRK1A (dual specificity tyrosine phosphorylation regulated kinase 1A; plus strand). Cytogenetic location: 21q22.13.
Variant type: single nucleotide variant.
Coding change: c.1653G>A on transcript NM_001347721.2 (MANE Select); coding-DNA position 1653, G replaced by A.
Protein change: p.Gln551=; no amino-acid change (glutamine 551 retained).
Molecular consequence: synonymous variant. On other transcripts: 3 prime UTR variant (1), missense variant (1).
Genome position (GRCh38, 1-based): chr21:37,511,919, G>A. VCF-style: chr21-37511919-G-A. GRCh37 (hg19) VCF-style: chr21-38884222-G-A.
Other names: c.1653G>A, p.Gln551= (NM_001347722.2, NM_130436.2); c.1566G>A, p.Gln522= (NM_001347723.2); c.1680G>A, p.Gln560= (NM_001396.5); c.*56G>A (NM_101395.2); c.1555G>A, p.Ala519Thr (NM_130438.2); short protein forms A519T.
Identifiers: ClinVar variation 1961173 (VCV001961173.7), dbSNP rs1372630953, ClinGen allele CA409939264.

ClinVar aggregate classification (germline): Likely benign. Review status: criteria provided, single submitter (1 of 4 stars). 2 submissions from 2 submitters: Likely benign (1). 1 of the submissions does not count toward it. Last evaluated 2025-03-13.

Conditions:
DYRK1A-related intellectual disability syndrome (MRD7). Also called: Intellectual developmental disorder, autosomal dominant 7; DYRK1A Syndrome. Identifiers: Orphanet 464306, MedGen C5568143, MONDO:0013578, OMIM 614104.
DYRK1A-related disorder.

Allele frequency attached by ClinVar (database versions not stated): gnomAD 0.00001; gnomAD exomes below 0.00001.
gnomAD v4.1: 4 of 1,609,878 alleles (0.00025%); highest among the groups gnomAD compares: Non-Finnish European, 0.00034%; no homozygotes.

Submissions (2):

Labcorp Genetics (formerly Invitae), Labcorp
Classification: Likely benign for DYRK1A-related intellectual disability syndrome. Last evaluated: 2025-03-13. Review status: criteria provided, single submitter. Criteria: Invitae Variant Classification Sherloc (09022015). Collection method: clinical testing. Allele origin: germline.

PreventionGenetics, part of Exact Sciences
Classification: Uncertain significance for DYRK1A-related condition. Last evaluated: 2024-02-01. Review status: no assertion criteria provided. Collection method: clinical testing. Allele origin: germline. Not counted in ClinVar's aggregate classification.
Comment: The DYRK1A c.1555G>A variant is predicted to result in the amino acid substitution p.Ala519Thr. To our knowledge, this variant has not been reported in the literature or in a large population database, indicating this variant is rare. At this time, the clinical significance of this variant is uncertain due to the absence of conclusive functional and genetic evidence.